The following is an entry in ClinVar:

NM_004369.4(COL6A3):c.8252A>T (p.Gln2751Leu)

Gene: COL6A3 (collagen type VI alpha 3 chain; minus strand). Cytogenetic location: 2q37.3.
Variant type: single nucleotide variant.
Coding change: c.8252A>T on transcript NM_004369.4 (MANE Select); coding-DNA position 8252, A replaced by T.
Protein change: p.Gln2751Leu; replaces glutamine 2751 with leucine.
Molecular consequence: missense variant.
Genome position (GRCh38, 1-based): chr2:237,340,664, T>A on the plus strand (A>T on the coding strand, the complement: COL6A3 is on the minus strand). VCF-style: chr2-237340664-T-A. GRCh37 (hg19) VCF-style: chr2-238249307-T-A.
Other names: c.6431A>T, p.Gln2144Leu (NM_057166.5); c.7634A>T, p.Gln2545Leu (NM_057167.4); short protein forms Q2144L, Q2545L, Q2751L.
Identifiers: ClinVar variation 4739034 (VCV004739034.1).

ClinVar aggregate classification (germline): Uncertain significance (1 of 4 stars; one submission).

Conditions:
Bethlem myopathy 1A. Also called: MYOPATHY, BENIGN CONGENITAL, WITH CONTRACTURES; Bethlem myopathy 1; Bethlem Muscular Dystrophy. Identifiers: Orphanet 610, MedGen CN029274, MONDO:0024530, OMIM 158810.

gnomAD v4.1: 3 of 1,614,098 alleles (0.00019%); highest among the groups gnomAD compares: Non-Finnish European, 0.00025%; no homozygotes.

Submission:

Labcorp Genetics (formerly Invitae), Labcorp
Classification: Uncertain significance for Bethlem myopathy 1A. Last evaluated: 2025-10-06. Review status: criteria provided, single submitter. Criteria: Invitae Variant Classification Sherloc (09022015). Collection method: clinical testing. Allele origin: germline.
Comment: This sequence change replaces glutamine, which is neutral and polar, with leucine, which is neutral and non-polar, at codon 2751 of the COL6A3 protein (p.Gln2751Leu). This variant is not present in population databases (gnomAD no frequency). This variant has not been reported in the literature in individuals affected with COL6A3-related conditions. Invitae Evidence Modeling of protein sequence and biophysical properties (such as structural, functional, and spatial information, amino acid conservation, physicochemical variation, residue mobility, and thermodynamic stability) indicates that this missense variant is not expected to disrupt COL6A3 protein function with a negative predictive value of 80%. In summary, the available evidence is currently insufficient to determine the role of this variant in disease. Therefore, it has been classified as a Variant of Uncertain Significance.